The following is an entry in ClinVar:

NM_001378454.1(ALMS1):c.4184C>T (p.Ser1395Leu)

Gene: ALMS1 (ALMS1 centrosome and basal body associated protein; plus strand). Cytogenetic location: 2p13.1.
Variant type: single nucleotide variant.
Coding change: c.4184C>T on transcript NM_001378454.1 (MANE Select); coding-DNA position 4184, C replaced by T.
Protein change: p.Ser1395Leu; replaces serine 1395 with leucine.
Molecular consequence: missense variant.
Genome position (GRCh38, 1-based): chr2:73,450,711, C>T. VCF-style: chr2-73450711-C-T. GRCh37 (hg19) VCF-style: chr2-73677838-C-T.
Other names: c.4187C>T, p.Ser1396Leu (NM_015120.4); short protein forms S1395L, S1396L.
Identifiers: ClinVar variation 1722836 (VCV001722836.8), dbSNP rs1329421967, ClinGen allele CA347277665.

ClinVar aggregate classification (germline): Conflicting classifications of pathogenicity. Review status: criteria provided, conflicting classifications (1 of 4 stars). 4 submissions from 4 submitters: Uncertain significance (3); Likely benign (1). Last evaluated 2025-04-18.

Conditions:
Cardiovascular phenotype. Identifiers: MedGen CN230736.
Alstrom syndrome (ALMS). Identifiers: Orphanet 64, MedGen C0268425, MONDO:0008763, OMIM 203800.

Allele frequency attached by ClinVar (database versions not stated): TOPMed 0.00001; gnomAD 0.00002.
gnomAD v4.1: 18 of 1,613,136 alleles (0.0011%); highest among the groups gnomAD compares: Middle Eastern, 0.017%; no homozygotes.

Submissions (4):

Ambry Genetics
Classification: Likely benign for Cardiovascular phenotype. Last evaluated: 2025-04-18. Review status: criteria provided, single submitter. Criteria: Ambry Variant Classification Scheme 2023. Collection method: clinical testing. Allele origin: germline.

Blueprint Genetics
Classification: Uncertain significance. Last evaluated: 2024-07-26. Review status: criteria provided, single submitter. Criteria: ACMG Guidelines, 2015. Collection method: clinical testing. Allele origin: germline.

GeneDx
Classification: Uncertain significance. Last evaluated: 2022-05-03. Review status: criteria provided, single submitter. Criteria: GeneDx Variant Classification Process June 2021. Collection method: clinical testing. Allele origin: germline. Affected: yes.
Comment: Not observed at significant frequency in large population cohorts (gnomAD); In silico analysis supports that this missense variant does not alter protein structure/function; Has not been previously published as pathogenic or benign to our knowledge

Labcorp Genetics (formerly Invitae), Labcorp
Classification: Uncertain significance for Alstrom syndrome. Last evaluated: 2022-02-09. Review status: criteria provided, single submitter. Criteria: Invitae Variant Classification Sherloc (09022015). Collection method: clinical testing. Allele origin: germline.
Comment: This sequence change replaces serine with leucine at codon 1396 of the ALMS1 protein (p.Ser1396Leu). The serine residue is weakly conserved and there is a large physicochemical difference between serine and leucine. This variant is present in population databases (no rsID available, gnomAD 0.006%). This variant has not been reported in the literature in individuals affected with ALMS1-related conditions. Algorithms developed to predict the effect of missense changes on protein structure and function output the following: SIFT: "Not Available"; PolyPhen-2: "Not Available"; Align-GVGD: "Not Available". The leucine amino acid residue is found in multiple mammalian species, which suggests that this missense change does not adversely affect protein function. In summary, the available evidence is currently insufficient to determine the role of this variant in disease. Therefore, it has been classified as a Variant of Uncertain Significance.